The following is an entry in ClinVar:

ClinVar aggregate classification (germline): Pathogenic/Likely pathogenic. Review status: criteria provided, multiple submitters, no conflicts (2 of 4 stars). 3 submissions from 3 submitters: Pathogenic (2); Likely pathogenic (1). Last evaluated 2023-12-05.

Conditions:
Hereditary cancer-predisposing syndrome. Also called: Neoplastic Syndromes, Hereditary; Tumor predisposition; Hereditary Cancer Syndrome; Hereditary neoplastic syndrome. Identifiers: Orphanet 140162, MedGen C0027672, MeSH D009386, MONDO:0015356.
Endometrial carcinoma. Also called: Endometrial carcinoma, somatic. Identifiers: MedGen C0476089, MONDO:0002447, OMIM 608089, HP:0012114.
Lynch syndrome 5 (LYNCH5). Also called: Colorectal cancer, hereditary nonpolyposis, type 5; Hereditary non-polyposis colorectal cancer, type 5. Identifiers: Orphanet 144, MedGen C1833477, MONDO:0013710, OMIM 614350. Disease mechanism: loss of function.

Submissions (3):

Baylor Genetics
Classification: Likely pathogenic for Endometrial carcinoma. Last evaluated: 2023-12-05. Review status: criteria provided, single submitter. Criteria: ACMG Guidelines, 2015. Collection method: clinical testing. Allele origin: unknown.

Myriad Genetics, Inc.
Classification: Pathogenic for Lynch syndrome 5. Last evaluated: 2023-08-15. Review status: criteria provided, single submitter. Criteria: Myriad Autosomal Dominant, Autosomal Recessive and X-Linked Classification Criteria (2023). Collection method: clinical testing. Allele origin: unknown.
Comment: This variant is considered pathogenic. This variant creates a termination codon and is predicted to result in premature protein truncation.

Ambry Genetics
Classification: Pathogenic for Hereditary cancer-predisposing syndrome. Last evaluated: 2021-05-26. Review status: criteria provided, single submitter. Criteria: Ambry Variant Classification Scheme 2023. Collection method: clinical testing. Allele origin: germline.
Comment: The p.Q618* pathogenic mutation (also known as c.1852C>T), located in coding exon 4 of the MSH6 gene, results from a C to T substitution at nucleotide position 1852. This changes the amino acid from a glutamine to a stop codon within coding exon 4. This alteration is expected to result in loss of function by premature protein truncation or nonsense-mediated mRNA decay. As such, this alteration is interpreted as a disease-causing mutation.

NM_000179.3(MSH6):c.1852C>T (p.Gln618Ter)

Gene: MSH6 (mutS homolog 6; plus strand). Cytogenetic location: 2p16.3.
Variant type: single nucleotide variant.
Coding change: c.1852C>T on transcript NM_000179.3 (MANE Select); coding-DNA position 1852, C replaced by T.
Protein change: p.Gln618Ter; replaces glutamine 618 with a stop codon.
Molecular consequence: nonsense.
Genome position (GRCh38, 1-based): chr2:47,799,835, C>T. VCF-style: chr2-47799835-C-T. GRCh37 (hg19) VCF-style: chr2-48026974-C-T.
Other names: c.1462C>T, p.Gln488Ter (NM_001281492.2); c.946C>T, p.Gln316Ter (NM_001281493.2, NM_001281494.2, NM_001406811.1 and 6 more transcripts); c.1948C>T, p.Gln650Ter (NM_001406795.1, NM_001406802.1); c.1852C>T, p.Gln618Ter (NM_001406796.1, NM_001406798.1, NM_001406800.1 and 3 more transcripts); c.1555C>T, p.Gln519Ter (NM_001406797.1, NM_001406801.1, NM_001406805.1 and 10 more transcripts); c.1327C>T, p.Gln443Ter (NM_001406799.1, NM_001406806.1, NM_001406807.1); c.1774C>T, p.Gln592Ter (NM_001406804.1); c.1858C>T, p.Gln620Ter (NM_001406813.1); and 1 more; short protein forms Q443*, Q618*, Q592*, Q620*, Q650*, Q316*, Q488*, Q519*.
Identifiers: ClinVar variation 1781355 (VCV001781355.4), dbSNP rs1411268654, ClinGen allele CA346749739.